The following is an entry in ClinVar:

ClinVar aggregate classification (germline): Uncertain significance (1 of 4 stars; one submission).

Allele frequency attached by ClinVar (database versions not stated): gnomAD exomes below 0.00001; ExAC 0.00001.
gnomAD v4.1: 1 of 1,613,878 alleles (0.000062%); highest among the groups gnomAD compares: Admixed American, 0.0017%; no homozygotes.

Submission:

GeneDx
Classification: Uncertain significance. Last evaluated: 2023-04-06. Review status: criteria provided, single submitter. Criteria: GeneDx Variant Classification Process June 2021. Collection method: clinical testing. Allele origin: germline. Affected: yes.
Comment: In silico analysis supports that this missense variant does not alter protein structure/function; Has not been previously published as pathogenic or benign to our knowledge

NM_052867.4(NALCN):c.2640T>G (p.Asp880Glu)

Gene: NALCN (sodium leak channel, non-selective; minus strand). Cytogenetic location: 13q33.1.
Variant type: single nucleotide variant.
Coding change: c.2640T>G on transcript NM_052867.4 (MANE Select); coding-DNA position 2640, T replaced by G.
Protein change: p.Asp880Glu; replaces aspartic acid 880 with glutamic acid.
Molecular consequence: missense variant.
Genome position (GRCh38, 1-based): chr13:101,104,647, A>C on the plus strand (T>G on the coding strand, the complement: NALCN is on the minus strand). VCF-style: chr13-101104647-A-C. GRCh37 (hg19) VCF-style: chr13-101756998-A-C.
Other names: c.2727T>G, p.Asp909Glu (NM_001350748.2); c.2640T>G, p.Asp880Glu (NM_001350749.2); c.2553T>G, p.Asp851Glu (NM_001350750.2, NM_001350751.2); short protein forms D851E, D880E, D909E.
Identifiers: ClinVar variation 2662515 (VCV002662515.1), dbSNP rs770894772, ClinGen allele CA7035624.